The following is an entry in ClinVar:

ClinVar aggregate classification (germline): Uncertain significance (1 of 4 stars; one submission).

Conditions:
Autosomal dominant Robinow syndrome 3. Identifiers: Orphanet 3107, Orphanet 97360, MedGen C4225164, MONDO:0014819, OMIM 616894.

Allele frequency attached by ClinVar (database versions not stated): gnomAD exomes below 0.00001.
gnomAD v4.1: 3 of 1,614,110 alleles (0.00019%); highest among the groups gnomAD compares: Non-Finnish European, 0.00025%; no homozygotes.

Submission:

Centre for Mendelian Genomics, University Medical Centre Ljubljana
Classification: Uncertain significance for Autosomal dominant Robinow syndrome 3. Last evaluated: 2020-03-26. Review status: criteria provided, single submitter. Criteria: ACMG Guidelines, 2015. Collection method: clinical testing. Allele origin: unknown. Affected: yes.
Comment: This variant was classified as: Uncertain significance. The available evidence on this variant's pathogenicity is insufficient or conflicting. The following ACMG criteria were applied in classifying this variant: PM2.

NM_004423.4(DVL3):c.1120G>A (p.Ala374Thr)

Gene: DVL3 (dishevelled segment polarity protein 3; plus strand). Cytogenetic location: 3q27.1.
Variant type: single nucleotide variant.
Coding change: c.1120G>A on transcript NM_004423.4 (MANE Select); coding-DNA position 1120, G replaced by A.
Protein change: p.Ala374Thr; replaces alanine 374 with threonine.
Molecular consequence: missense variant.
Genome position (GRCh38, 1-based): chr3:184,166,897, G>A. VCF-style: chr3-184166897-G-A. GRCh37 (hg19) VCF-style: chr3-183884685-G-A.
Other names: short protein forms A374T.
Identifiers: ClinVar variation 930245 (VCV000930245.3), dbSNP rs1714612048, ClinGen allele CA355410544.